The following is an entry in ClinVar:

NM_000062.3(SERPING1):c.670A>G (p.Ile224Val)

Gene: SERPING1 (serpin family G member 1; plus strand). Cytogenetic location: 11q12.1.
Variant type: single nucleotide variant.
Coding change: c.670A>G on transcript NM_000062.3 (MANE Select); coding-DNA position 670, A replaced by G.
Protein change: p.Ile224Val; replaces isoleucine 224 with valine.
Molecular consequence: missense variant.
Genome position (GRCh38, 1-based): chr11:57,602,154, A>G. VCF-style: chr11-57602154-A-G. GRCh37 (hg19) VCF-style: chr11-57369627-A-G.
Other names: c.670A>G, p.Ile224Val (NM_001032295.2); short protein forms I224V.
Identifiers: ClinVar variation 2428325 (VCV002428325.6), dbSNP rs201188641, ClinGen allele CA6008091.

ClinVar aggregate classification (germline): Uncertain significance (1 of 4 stars; one submission).

Allele frequency attached by ClinVar (database versions not stated): ExAC 0.00003; gnomAD 0.00003; TOPMed 0.00005; gnomAD exomes 0.00006; ESP Exome Variant Server 0.00008.
gnomAD v4.1: 89 of 1,614,092 alleles (0.0055%); highest among the groups gnomAD compares: Non-Finnish European, 0.0073%; 1 homozygote.

Submission:

Labcorp Genetics (formerly Invitae), Labcorp
Classification: Uncertain significance. Last evaluated: 2024-09-23. Review status: criteria provided, single submitter. Criteria: Invitae Variant Classification Sherloc (09022015). Collection method: clinical testing. Allele origin: germline.
Comment: This sequence change replaces isoleucine, which is neutral and non-polar, with valine, which is neutral and non-polar, at codon 224 of the SERPING1 protein (p.Ile224Val). This variant is present in population databases (rs201188641, gnomAD 0.007%). This variant has not been reported in the literature in individuals affected with SERPING1-related conditions. ClinVar contains an entry for this variant (Variation ID: 2428325). Invitae Evidence Modeling of protein sequence and biophysical properties (such as structural, functional, and spatial information, amino acid conservation, physicochemical variation, residue mobility, and thermodynamic stability) has been performed for this missense variant. However, the output from this modeling did not meet the statistical confidence thresholds required to predict the impact of this variant on SERPING1 protein function. In summary, the available evidence is currently insufficient to determine the role of this variant in disease. Therefore, it has been classified as a Variant of Uncertain Significance.